The following is an entry in ClinVar:

ClinVar aggregate classification (germline): Uncertain significance. Review status: criteria provided, multiple submitters, no conflicts (2 of 4 stars). 2 submissions from 2 submitters: Uncertain significance (2). Last evaluated 2023-09-13.

Conditions:
Hereditary cancer-predisposing syndrome. Also called: Hereditary Cancer Syndrome; Tumor predisposition; Hereditary neoplastic syndrome; Neoplastic Syndromes, Hereditary. Identifiers: Orphanet 140162, MedGen C0027672, MeSH D009386, MONDO:0015356.
Familial cancer of breast. Also called: BREAST CANCER, FAMILIAL; Hereditary breast cancer; hereditary breast carcinoma. Identifiers: Orphanet 227535, MedGen C0346153, MONDO:0016419, OMIM 114480. Disease mechanism: loss of function.

Submissions (2):

Ambry Genetics
Classification: Uncertain significance for Hereditary cancer-predisposing syndrome. Last evaluated: 2023-09-13. Review status: criteria provided, single submitter. Criteria: Ambry Variant Classification Scheme 2023. Collection method: clinical testing. Allele origin: germline.
Comment: The p.V510F variant (also known as c.1528G>T), located in coding exon 6 of the BARD1 gene, results from a G to T substitution at nucleotide position 1528. The valine at codon 510 is replaced by phenylalanine, an amino acid with highly similar properties. This amino acid position is conserved. In addition, this alteration is predicted to be deleterious by in silico analysis. Since supporting evidence is limited at this time, the clinical significance of this alteration remains unclear.

Labcorp Genetics (formerly Invitae), Labcorp
Classification: Uncertain significance for Familial cancer of breast. Last evaluated: 2022-06-22. Review status: criteria provided, single submitter. Criteria: Invitae Variant Classification Sherloc (09022015). Collection method: clinical testing. Allele origin: germline.
Comment: This sequence change replaces valine, which is neutral and non-polar, with phenylalanine, which is neutral and non-polar, at codon 510 of the BARD1 protein (p.Val510Phe). This variant is not present in population databases (gnomAD no frequency). In summary, the available evidence is currently insufficient to determine the role of this variant in disease. Therefore, it has been classified as a Variant of Uncertain Significance. Algorithms developed to predict the effect of missense changes on protein structure and function are either unavailable or do not agree on the potential impact of this missense change (SIFT: "Deleterious"; PolyPhen-2: "Probably Damaging"; Align-GVGD: "Class C0"). This variant has not been reported in the literature in individuals affected with BARD1-related conditions.

NM_000465.4(BARD1):c.1528G>T (p.Val510Phe)

Gene: BARD1 (BRCA1 associated RING domain 1; minus strand). Cytogenetic location: 2q35.
Variant type: single nucleotide variant.
Coding change: c.1528G>T on transcript NM_000465.4 (MANE Select); coding-DNA position 1528, G replaced by T.
Protein change: p.Val510Phe; replaces valine 510 with phenylalanine.
Molecular consequence: missense variant. On other transcripts: non-coding transcript variant (3), intron variant (3).
Genome position (GRCh38, 1-based): chr2:214,767,522, C>A on the plus strand (G>T on the coding strand, the complement: BARD1 is on the minus strand). VCF-style: chr2-214767522-C-A. GRCh37 (hg19) VCF-style: chr2-215632246-C-A.
Other names: c.1471G>T, p.Val491Phe (NM_001282543.2); c.159-14967G>T (NM_001282548.2); c.216-14967G>T (NM_001282545.2); c.364+24775G>T (NM_001282549.2); c.1528G>T (NM_000465.2); short protein forms V491F, V510F.
Identifiers: ClinVar variation 1413305 (VCV001413305.10), dbSNP rs2106076401, ClinGen allele CA350448229.